The following is an entry in ClinVar:

NM_003672.4(CDC14A):c.1755+8C>T

Gene: CDC14A (cell division cycle 14A; plus strand). Cytogenetic location: 1p21.2.
Variant type: single nucleotide variant.
Coding change: c.1755+8C>T on transcript NM_003672.4 (MANE Select); 8 bases into the intron after coding-DNA position 1755, C replaced by T.
Molecular consequence: intron variant. On other transcripts: missense variant (3).
Genome position (GRCh38, 1-based): chr1:100,499,270, C>T. VCF-style: chr1-100499270-C-T. GRCh37 (hg19) VCF-style: chr1-100964826-C-T.
Other names: c.1589C>T, p.Ala530Val (NM_001319211.2); c.884C>T, p.Ala295Val (NM_001319212.2); c.1763C>T, p.Ala588Val (NM_033312.3); c.1755+8C>T (NM_001319210.2); short protein forms A588V, A295V, A530V.
Identifiers: ClinVar variation 517536 (VCV000517536.16), dbSNP rs139956023, ClinGen allele CA970972.
Genomic context (GRCh38, chr1:100,499,270, plus strand): 5'-CCTACACCGGGCTTTCTTCTTCTTCAGCGAGATTCCTGAGCCGTTCTATCCCTGTAAGTG[C>T]GCAGACACCACCTCCTGGTCCTCAGAACCCTGAATGCAACTTCTGTGCCTTGCCTTCCCA-3'

ClinVar aggregate classification (germline): Benign/Likely benign. Review status: criteria provided, multiple submitters, no conflicts (2 of 4 stars). 5 submissions from 5 submitters: Benign (4); Likely benign (1). Last evaluated 2025-12-16.

Allele frequency attached by ClinVar (database versions not stated): ExAC 0.00117; 1000 Genomes Project 30x 0.00187; 1000 Genomes Project 0.00220; gnomAD 0.00419 and 0.00461; TOPMed 0.00463; ESP Exome Variant Server 0.00561.
gnomAD v4.1: 1,261 of 1,614,204 alleles (0.078%); highest among the groups gnomAD compares: African/African-American, 1.4%; 8 homozygotes.

Submissions (5):

Labcorp Genetics (formerly Invitae), Labcorp
Classification: Benign. Last evaluated: 2025-12-16. Review status: criteria provided, single submitter. Criteria: Invitae Variant Classification Sherloc (09022015). Collection method: clinical testing. Allele origin: germline.

Blueprint Genetics
Classification: Likely benign. Last evaluated: 2024-11-20. Review status: criteria provided, single submitter. Criteria: ACMG Guidelines, 2015. Collection method: clinical testing. Allele origin: germline.

GeneDx
Classification: Benign. Last evaluated: 2018-08-14. Review status: criteria provided, single submitter. Criteria: GeneDx Variant Classification Process June 2021. Collection method: clinical testing. Allele origin: germline. Affected: yes.

Laboratory for Molecular Medicine, Mass General Brigham Personalized Medicine
Classification: Benign. Last evaluated: 2017-08-23. Review status: criteria provided, single submitter. Criteria: LMM Criteria. Collection method: clinical testing. Allele origin: germline. Observed: 3 variant alleles.
Comment: p.Ala588Val in exon 15 of CDC14A: This variant is not expected to have clinical significance because it has been identified in 1.30% (135/10364) of African chro mosomes by the Exome Aggregation Consortium (ExAC, g; dbSNP rs139956023).

Breakthrough Genomics
Classification: Benign. Review status: criteria provided, single submitter. Criteria: ACMG Guidelines, 2015. Collection method: not provided. Allele origin: germline. Inheritance: Autosomal recessive inheritance. Affected: yes.